The following is an entry in ClinVar:

ClinVar aggregate classification (germline): Uncertain significance (1 of 4 stars; one submission).

Allele frequency attached by ClinVar (database versions not stated): gnomAD 0.00002 and 0.00003; TOPMed 0.00003.
gnomAD v4.1: 12 of 1,411,162 alleles (0.00085%); highest among the groups gnomAD compares: African/African-American, 0.0045%; no homozygotes.

Submission:

Labcorp Genetics (formerly Invitae), Labcorp
Classification: Uncertain significance. Last evaluated: 2022-07-05. Review status: criteria provided, single submitter. Criteria: Invitae Variant Classification Sherloc (09022015). Collection method: clinical testing. Allele origin: germline.
Comment: This sequence change replaces leucine, which is neutral and non-polar, with phenylalanine, which is neutral and non-polar, at codon 362 of the SAMD11 protein (p.Leu362Phe). This variant is present in population databases (no rsID available, gnomAD 0.01%). This variant has not been reported in the literature in individuals affected with SAMD11-related conditions. ClinVar contains an entry for this variant (Variation ID: 1014178). Algorithms developed to predict the effect of missense changes on protein structure and function are either unavailable or do not agree on the potential impact of this missense change (SIFT: "Deleterious"; PolyPhen-2: "Probably Damaging"; Align-GVGD: "Class C0"). In summary, the available evidence is currently insufficient to determine the role of this variant in disease. Therefore, it has been classified as a Variant of Uncertain Significance.

NM_001385641.1(SAMD11):c.1573C>T (p.Leu525Phe)

Gene: SAMD11 (sterile alpha motif domain containing 11; plus strand). Cytogenetic location: 1p36.33.
Variant type: single nucleotide variant.
Coding change: c.1573C>T on transcript NM_001385641.1 (MANE Select); coding-DNA position 1573, C replaced by T.
Protein change: p.Leu525Phe; replaces leucine 525 with phenylalanine.
Molecular consequence: missense variant.
Genome position (GRCh38, 1-based): chr1:942,578, C>T. VCF-style: chr1-942578-C-T. GRCh37 (hg19) VCF-style: chr1-877958-C-T.
Other names: c.1576C>T, p.Leu526Phe (NM_001385640.1); c.1084C>T, p.Leu362Phe (NM_152486.4); short protein forms L362F, L525F, L526F.
Identifiers: ClinVar variation 1014178 (VCV001014178.6), dbSNP rs897255618, ClinGen allele CA16724757.